The following is an entry in ClinVar:

ClinVar aggregate classification (germline): Uncertain significance (1 of 4 stars; one submission).

Submission:

GeneDx
Classification: Uncertain significance. Last evaluated: 2025-04-15. Review status: criteria provided, single submitter. Criteria: GeneDx Variant Classification Process June 2021. Collection method: clinical testing. Allele origin: germline. Affected: yes.
Comment: Not observed at significant frequency in large population cohorts (gnomAD); In silico analysis indicates that this missense variant does not alter protein structure/function; Has not been previously published as pathogenic or benign to our knowledge

NM_001378418.1(TCF20):c.5107C>G (p.Leu1703Val)

Gene: TCF20 (transcription factor 20; minus strand). Cytogenetic location: 22q13.2.
Variant type: single nucleotide variant.
Coding change: c.5107C>G on transcript NM_001378418.1 (MANE Select); coding-DNA position 5107, C replaced by G.
Protein change: p.Leu1703Val; replaces leucine 1703 with valine.
Molecular consequence: missense variant.
Genome position (GRCh38, 1-based): chr22:42,210,199, G>C on the plus strand (C>G on the coding strand, the complement: TCF20 is on the minus strand). VCF-style: chr22-42210199-G-C. GRCh37 (hg19) VCF-style: chr22-42606205-G-C.
Other names: c.5107C>G, p.Leu1703Val (NM_005650.4, NM_181492.3); short protein forms L1703V.
Identifiers: ClinVar variation 4282240 (VCV004282240.1).